The following is an entry in ClinVar:

NM_003200.5(TCF3):c.1636C>T (p.Arg546Trp)

Gene: TCF3 (transcription factor 3; minus strand). Cytogenetic location: 19p13.3.
Variant type: single nucleotide variant.
Coding change: c.1636C>T on transcript NM_003200.5 (MANE Select); coding-DNA position 1636, C replaced by T.
Protein change: p.Arg546Trp; replaces arginine 546 with tryptophan.
Molecular consequence: missense variant. On other transcripts: intron variant (2).
Genome position (GRCh38, 1-based): chr19:1,615,471, G>A on the plus strand (C>T on the coding strand, the complement: TCF3 is on the minus strand). VCF-style: chr19-1615471-G-A. GRCh37 (hg19) VCF-style: chr19-1615470-G-A.
Other names: c.1633C>T, p.Arg545Trp (NM_001351778.2); c.1586+215C>T (NM_001136139.4, NM_001351779.2); c.1636C>T (NM_003200.3); short protein forms R546W, R545W.
Identifiers: ClinVar variation 1515210 (VCV001515210.8), dbSNP rs747799051, ClinGen allele CA9049667.
Genomic context (GRCh38, chr19:1,615,471, plus strand): 5'-TGATGTCACGGACCCGCAGCCGCTCCCGGGCGTTATTGGCCACCCGGCGCTCCTTCTCCC[G>A]CTCGGCCTTCTGCTCTGGGGGGAGAAGGTCGTCCTCGTCCTCGTCTGGGCTATGGGGAGG-3'
Protein context (NP_003191.1, residues 536-556): DLLPPEQKAE[Arg546Trp]EKERRVANNA

ClinVar aggregate classification (germline): Conflicting classifications of pathogenicity. Review status: criteria provided, conflicting classifications (1 of 4 stars). 3 submissions from 3 submitters: Uncertain significance (2); Likely benign (1). Last evaluated 2025-11-03.

Conditions:
Agammaglobulinemia 8b, autosomal recessive. Also called: AGAMMAGLOBULINEMIA, AUTOSOMAL RECESSIVE, DUE TO TCF3 DEFECT. Identifiers: MedGen C5676958, MONDO:0859234, OMIM 619824.
Inborn genetic diseases. Identifiers: MedGen C0950123, MeSH D030342.

Allele frequency attached by ClinVar (database versions not stated): ExAC 0.00001; gnomAD 0.00001; TOPMed 0.00001; gnomAD exomes 0.00002.
gnomAD v4.1: 27 of 1,611,666 alleles (0.0017%); highest among the groups gnomAD compares: Middle Eastern, 0.016%; no homozygotes.

Submissions (3):

Ambry Genetics
Classification: Uncertain significance for Inborn genetic diseases. Last evaluated: 2025-11-03. Review status: criteria provided, single submitter. Criteria: Ambry Variant Classification Scheme 2023. Collection method: clinical testing. Allele origin: germline.

3billion
Classification: Likely benign for Agammaglobulinemia 8b, autosomal recessive. Last evaluated: 2024-09-20. Review status: criteria provided, single submitter. Criteria: ACMG Guidelines, 2015. Collection method: clinical testing. Allele origin: germline. Affected: no.
Comment: The homozygous variant was found in patients diagnosed with another variant in a different gene, with no symptoms related to the gene containing the homozygous variant.

Labcorp Genetics (formerly Invitae), Labcorp
Classification: Uncertain significance. Last evaluated: 2024-05-02. Review status: criteria provided, single submitter. Criteria: Invitae Variant Classification Sherloc (09022015). Collection method: clinical testing. Allele origin: germline.
Comment: This sequence change replaces arginine, which is basic and polar, with tryptophan, which is neutral and slightly polar, at codon 546 of the TCF3 protein (p.Arg546Trp). This variant is present in population databases (rs747799051, gnomAD 0.003%). This variant has not been reported in the literature in individuals affected with TCF3-related conditions. ClinVar contains an entry for this variant (Variation ID: 1515210). Advanced modeling of protein sequence and biophysical properties (such as structural, functional, and spatial information, amino acid conservation, physicochemical variation, residue mobility, and thermodynamic stability) performed at Invitae indicates that this missense variant is expected to disrupt TCF3 protein function with a positive predictive value of 80%. In summary, the available evidence is currently insufficient to determine the role of this variant in disease. Therefore, it has been classified as a Variant of Uncertain Significance.